The following is an entry in ClinVar:

NM_017947.4(MOCOS):c.2320C>T (p.Arg774Cys)

Gene: MOCOS (molybdenum cofactor sulfurase; plus strand). Cytogenetic location: 18q12.2.
Variant type: single nucleotide variant.
Coding change: c.2320C>T on transcript NM_017947.4 (MANE Select); coding-DNA position 2320, C replaced by T.
Protein change: p.Arg774Cys; replaces arginine 774 with cysteine.
Molecular consequence: missense variant.
Genome position (GRCh38, 1-based): chr18:36,260,086, C>T. VCF-style: chr18-36260086-C-T. GRCh37 (hg19) VCF-style: chr18-33840049-C-T.
Other names: short protein forms R774C.
Identifiers: ClinVar variation 2176247 (VCV002176247.1), dbSNP rs762187103, ClinGen allele CA402291006.

ClinVar aggregate classification (germline): Uncertain significance (1 of 4 stars; one submission).

Conditions:
Xanthinuria type II. Also called: Xanthine dehydrogenase and aldehyde oxidase combined deficiency of; XDH and AOX dual deficiency. Identifiers: Orphanet 3467, Orphanet 93602, MedGen C1863688, MONDO:0011346, OMIM 603592.

Allele frequency attached by ClinVar (database versions not stated): TOPMed 0.00001; gnomAD 0.00003.
gnomAD v4.1: 13 of 1,613,992 alleles (0.00081%); highest among the groups gnomAD compares: South Asian, 0.0033%; no homozygotes.

Submission:

Labcorp Genetics (formerly Invitae), Labcorp
Classification: Uncertain significance for Xanthinuria type II. Last evaluated: 2022-02-28. Review status: criteria provided, single submitter. Criteria: Invitae Variant Classification Sherloc (09022015). Collection method: clinical testing. Allele origin: germline.
Comment: This sequence change replaces arginine, which is basic and polar, with cysteine, which is neutral and slightly polar, at codon 774 of the MOCOS protein (p.Arg774Cys). This variant is present in population databases (no rsID available, gnomAD 0.003%). This variant has not been reported in the literature in individuals affected with MOCOS-related conditions. Algorithms developed to predict the effect of missense changes on protein structure and function (SIFT, PolyPhen-2, Align-GVGD) all suggest that this variant is likely to be disruptive. In summary, the available evidence is currently insufficient to determine the role of this variant in disease. Therefore, it has been classified as a Variant of Uncertain Significance.